The following is an entry in ClinVar:

ClinVar aggregate classification (germline): Uncertain significance. Review status: criteria provided, multiple submitters, no conflicts (2 of 4 stars). 2 submissions from 2 submitters: Uncertain significance (2). Last evaluated 2025-01-06.

Conditions:
Cardiovascular phenotype. Identifiers: MedGen CN230736.
Long QT syndrome (LQTS). Identifiers: MedGen C0023976, MeSH D008133, MONDO:0002442. Disease mechanism: loss of function. Inheritance: Various modes of inheritance.

Allele frequency attached by ClinVar (database versions not stated): gnomAD exomes below 0.00001.
gnomAD v4.1: 3 of 1,613,762 alleles (0.00019%); highest among the groups gnomAD compares: African/African-American, 0.0013%; no homozygotes.

Submissions (2):

Ambry Genetics
Classification: Uncertain significance for Cardiovascular phenotype. Last evaluated: 2025-01-06. Review status: criteria provided, single submitter. Criteria: Ambry Variant Classification Scheme 2023. Collection method: clinical testing. Allele origin: germline.
Comment: The p.V1368M variant (also known as c.4102G>A), located in coding exon 33 of the CACNA1C gene, results from a G to A substitution at nucleotide position 4102. The valine at codon 1368 is replaced by methionine, an amino acid with highly similar properties. This amino acid position is highly conserved in available vertebrate species. In addition, this alteration is predicted to be deleterious by in silico analysis. Based on the available evidence, the clinical significance of this variant remains unclear.

Labcorp Genetics (formerly Invitae), Labcorp
Classification: Uncertain significance for Long QT syndrome. Last evaluated: 2022-10-27. Review status: criteria provided, single submitter. Criteria: Invitae Variant Classification Sherloc (09022015). Collection method: clinical testing. Allele origin: germline.
Comment: Advanced modeling of protein sequence and biophysical properties (such as structural, functional, and spatial information, amino acid conservation, physicochemical variation, residue mobility, and thermodynamic stability) has been performed at Invitae for this missense variant, however the output from this modeling did not meet the statistical confidence thresholds required to predict the impact of this variant on CACNA1C protein function. In summary, the available evidence is currently insufficient to determine the role of this variant in disease. Therefore, it has been classified as a Variant of Uncertain Significance. This variant has not been reported in the literature in individuals affected with CACNA1C-related conditions. The frequency data for this variant in the population databases is considered unreliable, as metrics indicate poor data quality at this position in the gnomAD database. This sequence change replaces valine, which is neutral and non-polar, with methionine, which is neutral and non-polar, at codon 1368 of the CACNA1C protein (p.Val1368Met).

NM_000719.7(CACNA1C):c.4102G>A (p.Val1368Met)

Gene: CACNA1C (calcium voltage-gated channel subunit alpha1 C; plus strand). Cytogenetic location: 12p13.33.
Variant type: single nucleotide variant.
Coding change: c.4102G>A on transcript NM_000719.7 (MANE Select); coding-DNA position 4102, G replaced by A.
Protein change: p.Val1368Met; replaces valine 1368 with methionine.
Molecular consequence: missense variant.
Genome position (GRCh38, 1-based): chr12:2,653,862, G>A. VCF-style: chr12-2653862-G-A. GRCh37 (hg19) VCF-style: chr12-2763028-G-A.
Other names: c.4246G>A, p.Val1416Met (NM_001129827.2, NM_199460.4); c.4168G>A, p.Val1390Met (NM_001129829.2); c.4102G>A, p.Val1368Met (NM_001129830.3, NM_001129833.2, NM_001129834.2 and 7 more transcripts); c.4186G>A, p.Val1396Met (NM_001129831.2); c.4162G>A, p.Val1388Met (NM_001129832.2); c.4153G>A, p.Val1385Met (NM_001129836.2); c.4069G>A, p.Val1357Met (NM_001129837.2, NM_001129838.2, NM_001129846.2 and 1 more transcripts); c.4063G>A, p.Val1355Met (NM_001129839.2); and 1 more; short protein forms V1355M, V1390M, V1368M, V1385M, V1416M, V1357M, V1365M, V1388M.
Identifiers: ClinVar variation 1915610 (VCV001915610.6), dbSNP rs1234874360, ClinGen allele CA383373972.